The following is an entry in ClinVar:

NM_016213.5(TRIP4):c.1253A>G (p.His418Arg)

Gene: TRIP4 (thyroid hormone receptor interactor 4; plus strand). Cytogenetic location: 15q22.31.
Variant type: single nucleotide variant.
Coding change: c.1253A>G on transcript NM_016213.5 (MANE Select); coding-DNA position 1253, A replaced by G.
Protein change: p.His418Arg; replaces histidine 418 with arginine.
Molecular consequence: missense variant. On other transcripts: non-coding transcript variant (1).
Genome position (GRCh38, 1-based): chr15:64,418,623, A>G. VCF-style: chr15-64418623-A-G. GRCh37 (hg19) VCF-style: chr15-64710822-A-G.
Other names: c.563A>G, p.His188Arg (NM_001321924.2); short protein forms H188R, H418R.
Identifiers: ClinVar variation 1306550 (VCV001306550.5), dbSNP rs1219984960, ClinGen allele CA392822921.

ClinVar aggregate classification (germline): Uncertain significance. Review status: criteria provided, multiple submitters, no conflicts (2 of 4 stars). 2 submissions from 2 submitters: Uncertain significance (2). Last evaluated 2024-02-14.

Allele frequency attached by ClinVar (database versions not stated): TOPMed below 0.00001; gnomAD 0.00001.
gnomAD v4.1: 1 of 1,613,770 alleles (0.000062%); highest among the groups gnomAD compares: Non-Finnish European, 0.000085%; no homozygotes.

Submissions (2):

Labcorp Genetics (formerly Invitae), Labcorp
Classification: Uncertain significance. Last evaluated: 2024-02-14. Review status: criteria provided, single submitter. Criteria: Invitae Variant Classification Sherloc (09022015). Collection method: clinical testing. Allele origin: germline.
Comment: This sequence change replaces histidine, which is basic and polar, with arginine, which is basic and polar, at codon 418 of the TRIP4 protein (p.His418Arg). This variant is not present in population databases (gnomAD no frequency). This variant has not been reported in the literature in individuals affected with TRIP4-related conditions. ClinVar contains an entry for this variant (Variation ID: 1306550). Advanced modeling of protein sequence and biophysical properties (such as structural, functional, and spatial information, amino acid conservation, physicochemical variation, residue mobility, and thermodynamic stability) performed at Invitae indicates that this missense variant is not expected to disrupt TRIP4 protein function with a negative predictive value of 80%. In summary, the available evidence is currently insufficient to determine the role of this variant in disease. Therefore, it has been classified as a Variant of Uncertain Significance.

GeneDx
Classification: Uncertain significance. Last evaluated: 2019-06-13. Review status: criteria provided, single submitter. Criteria: GeneDx Variant Classification Process June 2021. Collection method: clinical testing. Allele origin: germline. Affected: yes.
Comment: Not observed in large population cohorts (Lek et al., 2016); In silico analysis, which includes protein predictors and evolutionary conservation, supports that this variant does not alter protein structure/function; Has not been previously published as pathogenic or benign to our knowledge